The following is an entry in ClinVar:

ClinVar aggregate classification (germline): Uncertain significance (1 of 4 stars; one submission).

Conditions:
Combined immunodeficiency due to CTPS1 deficiency. Also called: Severe combined immunodeficiency due to CTPS1 deficiency; Immunodeficiency 24. Identifiers: Orphanet 420573, MedGen C4014617, MONDO:0014391, OMIM 615897.

Submission:

Labcorp Genetics (formerly Invitae), Labcorp
Classification: Uncertain significance for Combined immunodeficiency due to CTPS1 deficiency. Last evaluated: 2022-05-20. Review status: criteria provided, single submitter. Criteria: Invitae Variant Classification Sherloc (09022015). Collection method: clinical testing. Allele origin: germline.
Comment: Algorithms developed to predict the effect of missense changes on protein structure and function are either unavailable or do not agree on the potential impact of this missense change (SIFT: "Deleterious"; PolyPhen-2: "Benign"; Align-GVGD: "Class C0"). In summary, the available evidence is currently insufficient to determine the role of this variant in disease. Therefore, it has been classified as a Variant of Uncertain Significance. This variant has not been reported in the literature in individuals affected with CTPS1-related conditions. This variant is not present in population databases (gnomAD no frequency). This sequence change replaces valine, which is neutral and non-polar, with glycine, which is neutral and non-polar, at codon 170 of the CTPS1 protein (p.Val170Gly).

NM_001905.4(CTPS1):c.509T>G (p.Val170Gly)

Gene: CTPS1 (CTP synthase 1; plus strand). Cytogenetic location: 1p34.2.
Variant type: single nucleotide variant.
Coding change: c.509T>G on transcript NM_001905.4 (MANE Select); coding-DNA position 509, T replaced by G.
Protein change: p.Val170Gly; replaces valine 170 with glycine.
Molecular consequence: missense variant. On other transcripts: non-coding transcript variant (1).
Genome position (GRCh38, 1-based): chr1:40,988,664, T>G. VCF-style: chr1-40988664-T-G. GRCh37 (hg19) VCF-style: chr1-41454336-T-G.
Other names: c.41T>G, p.Val14Gly (NM_001301237.2); short protein forms V14G, V170G.
Identifiers: ClinVar variation 1996805 (VCV001996805.4), dbSNP rs2524266953, ClinGen allele CA339902190.